The following is an entry in ClinVar:

ClinVar aggregate classification (germline): Conflicting classifications of pathogenicity. Review status: criteria provided, conflicting classifications (1 of 4 stars). 6 submissions from 6 submitters: Uncertain significance (5); Likely benign (1). Last evaluated 2025-09-23.

Conditions:
Hereditary cancer-predisposing syndrome. Also called: Tumor predisposition; Hereditary Cancer Syndrome; Neoplastic Syndromes, Hereditary; Hereditary neoplastic syndrome. Identifiers: Orphanet 140162, MedGen C0027672, MeSH D009386, MONDO:0015356.
Hereditary breast ovarian cancer syndrome. Also called: Hereditary breast and ovarian cancer; Hereditary breast and ovarian cancer syndrome (HBOC); Hereditary breast and ovarian cancer syndrome; BRCA1- and BRCA2-Associated Hereditary Breast and Ovarian Cancer; Hereditary breast and/or ovarian cancer syndrome; Breast and ovarian cancer. Identifiers: Orphanet 145, MedGen C0677776, MeSH D061325, MONDO:0003582. Disease mechanism: loss of function.

Allele frequency attached by ClinVar (database versions not stated): gnomAD exomes below 0.00001 and 0.00001; ExAC 0.00001.
gnomAD v4.1: 8 of 1,614,088 alleles (0.0005%); highest among the groups gnomAD compares: Non-Finnish European, 0.00068%; no homozygotes.

Submissions (6):

Labcorp Genetics (formerly Invitae), Labcorp
Classification: Uncertain significance for Hereditary breast ovarian cancer syndrome. Last evaluated: 2025-09-23. Review status: criteria provided, single submitter. Criteria: Invitae Variant Classification Sherloc (09022015). Collection method: clinical testing. Allele origin: germline.
Comment: This sequence change replaces histidine, which is basic and polar, with tyrosine, which is neutral and polar, at codon 437 of the BRCA1 protein (p.His437Tyr). This variant is present in population databases (rs759878392, gnomAD 0.0009%). This variant has not been reported in the literature in individuals affected with BRCA1-related conditions. ClinVar contains an entry for this variant (Variation ID: 491029). Invitae Evidence Modeling of protein sequence and biophysical properties (such as structural, functional, and spatial information, amino acid conservation, physicochemical variation, residue mobility, and thermodynamic stability) indicates that this missense variant is not expected to disrupt BRCA1 protein function with a negative predictive value of 80%. In summary, the available evidence is currently insufficient to determine the role of this variant in disease. Therefore, it has been classified as a Variant of Uncertain Significance.

Color Diagnostics, LLC DBA Color Health
Classification: Uncertain significance for Hereditary cancer-predisposing syndrome. Last evaluated: 2025-08-04. Review status: criteria provided, single submitter. Criteria: ACMG Guidelines, 2015. Collection method: clinical testing. Allele origin: germline.
Comment: This missense variant replaces histidine with tyrosine at codon 437 of the BRCA1 protein. Computational prediction is inconclusive regarding the impact of this variant on protein structure and function. To our knowledge, functional studies have not been reported for this variant. This variant has not been reported in individuals affected with BRCA1-related disorders in the literature. This variant has been identified in 1/250908 chromosomes in the general population by the Genome Aggregation Database (gnomAD). The available evidence is insufficient to determine the role of this variant in disease conclusively. Therefore, this variant is classified as a Variant of Uncertain Significance.

University of Washington Department of Laboratory Medicine, University of Washington
Classification: Likely benign for Hereditary cancer-predisposing syndrome. Last evaluated: 2023-03-23. Review status: criteria provided, single submitter. Criteria: Dines et al. (Genet Med. 2020). Collection method: curation. Allele origin: germline.
Comment: Missense variant in a coldspot region where missense variants are very unlikely to be pathogenic (PMID:31911673).

BRCA1 coldspot (exon 11 using historical exon numbering). Reclassification based on statistical prior probability

Ambry Genetics
Classification: Uncertain significance for Hereditary cancer-predisposing syndrome. Last evaluated: 2022-10-05. Review status: criteria provided, single submitter. Criteria: Ambry Variant Classification Scheme 2023. Collection method: clinical testing. Allele origin: germline.
Comment: The p.H437Y variant (also known as c.1309C>T), located in coding exon 9 of the BRCA1 gene, results from a C to T substitution at nucleotide position 1309. The histidine at codon 437 is replaced by tyrosine, an amino acid with similar properties. This amino acid position is not well conserved in available vertebrate species. In addition, the in silico prediction for this alteration is inconclusive. Since supporting evidence is limited at this time, the clinical significance of this alteration remains unclear.

ARUP Laboratories, Molecular Genetics and Genomics, ARUP Laboratories
Classification: Uncertain significance. Last evaluated: 2022-03-23. Review status: criteria provided, single submitter. Criteria: ARUP Molecular Germline Variant Investigation Process 2021. Collection method: clinical testing. Allele origin: germline.
Comment: The BRCA1 c.1309C>T; p.His437Tyr variant (rs759878392) is reported in the literature in an individuals affected with breast and/or ovarian cancer, although its clinical significance was not certain (Bahsi 2020). This variant is also reported in ClinVar (Variation ID: 491029). This variant is only observed on one allele in the Genome Aggregation Database, indicating it is not a common polymorphism. The histidine at codon 437 is moderately conserved, and computational analyses are uncertain whether this variant is neutral or deleterious (REVEL: 0.536). Due to limited information, the clinical significance of the p.His437Tyr variant is uncertain at this time. References: Bahsi T and Erdem HB. Spectrum of BRCA1/BRCA2 variants in 1419 Turkish breast and ovarian cancer patients: a single center study. Turk J Biochem. 2020;45(1):83-90.

Blueprint Genetics
Classification: Uncertain significance. Last evaluated: 2021-08-05. Review status: criteria provided, single submitter. Criteria: ACMG Guidelines, 2015. Collection method: clinical testing. Allele origin: germline.

NM_007294.4(BRCA1):c.1309C>T (p.His437Tyr)

Gene: BRCA1 (BRCA1 DNA repair associated; minus strand). Cytogenetic location: 17q21.31.
Variant type: single nucleotide variant.
Coding change: c.1309C>T on transcript NM_007294.4 (MANE Select); coding-DNA position 1309, C replaced by T.
Protein change: p.His437Tyr; replaces histidine 437 with tyrosine.
Molecular consequence: missense variant. On other transcripts: intron variant (137).
Genome position (GRCh38, 1-based): chr17:43,094,222, G>A on the plus strand (C>T on the coding strand, the complement: BRCA1 is on the minus strand). VCF-style: chr17-43094222-G-A. GRCh37 (hg19) VCF-style: chr17-41246239-G-A.
Other names: c.976C>T, p.His326Tyr (NM_001407949.1, NM_001407950.1, NM_001407951.1 and 6 more transcripts); c.973C>T, p.His325Tyr (NM_001407954.1, NM_001407955.1, NM_001407956.1 and 1 more transcripts); c.928C>T, p.His310Tyr (NM_001407959.1, NM_001407960.1, NM_001407963.1); c.925C>T, p.His309Tyr (NM_001407962.1); c.1165C>T, p.His389Tyr (NM_001407964.1, NM_001407740.1, NM_001407741.1 and 20 more transcripts); c.805C>T, p.His269Tyr (NM_001407965.1); c.421C>T, p.His141Tyr (NM_001407966.1, NM_001407967.1); c.1168C>T, p.His390Tyr (NM_007297.4, NM_001407692.1, NM_001407694.1 and 29 more transcripts); and 40 more; short protein forms H437Y, H390Y, H141Y, H310Y, H325Y, H366Y, H396Y, H269Y.
Identifiers: ClinVar variation 491029 (VCV000491029.22), dbSNP rs759878392, ClinGen allele CA057149.